The following is an entry in ClinVar:

ClinVar aggregate classification (germline): Uncertain significance (1 of 4 stars; one submission).

Allele frequency attached by ClinVar (database versions not stated): gnomAD exomes below 0.00001; gnomAD 0.00001; ExAC 0.00002; TOPMed 0.00005.
gnomAD v4.1: 6 of 1,613,764 alleles (0.00037%); highest among the groups gnomAD compares: African/African-American, 0.0053%; no homozygotes.

Submission:

Labcorp Genetics (formerly Invitae), Labcorp
Classification: Uncertain significance. Last evaluated: 2025-06-09. Review status: criteria provided, single submitter. Criteria: Invitae Variant Classification Sherloc (09022015). Collection method: clinical testing. Allele origin: germline.
Comment: This sequence change replaces glycine, which is neutral and non-polar, with aspartic acid, which is acidic and polar, at codon 13 of the NSMCE2 protein (p.Gly13Asp). This variant is present in population databases (rs773386017, gnomAD 0.007%). This variant has not been reported in the literature in individuals affected with NSMCE2-related conditions. ClinVar contains an entry for this variant (Variation ID: 2417319). An algorithm developed to predict the effect of missense changes on protein structure and function (PolyPhen-2) suggests that this variant is likely to be disruptive. In summary, the available evidence is currently insufficient to determine the role of this variant in disease. Therefore, it has been classified as a Variant of Uncertain Significance.

NM_173685.4(NSMCE2):c.38G>A (p.Gly13Asp)

Gene: NSMCE2 (NSE2 SUMO ligase component of SMC5/6 complex; plus strand). Cytogenetic location: 8q24.13.
Variant type: single nucleotide variant.
Coding change: c.38G>A on transcript NM_173685.4 (MANE Select); coding-DNA position 38, G replaced by A.
Protein change: p.Gly13Asp; replaces glycine 13 with aspartic acid.
Molecular consequence: missense variant. On other transcripts: non-coding transcript variant (2).
Genome position (GRCh38, 1-based): chr8:125,102,368, G>A. VCF-style: chr8-125102368-G-A. GRCh37 (hg19) VCF-style: chr8-126114610-G-A.
Other names: c.38G>A, p.Gly13Asp (NM_001349485.2, NM_001349486.2, NM_001349487.2); short protein forms G13D.
Identifiers: ClinVar variation 2417319 (VCV002417319.6), dbSNP rs773386017, ClinGen allele CA4874260.
Genomic context (GRCh38, chr8:125,102,368, plus strand): 5'-AAAACTTAGGTACTAATTTCAAGATGCCAGGACGTTCCAGTTCAAATTCAGGTTCAACTG[G>A]TTTCATCTCCTTCAGTGGTGTAGAGTCTGCTCTCTCCTCCTTGAAAAACTTCCAAGCCTG-3'
Protein context (NP_775956.1, residues 3-23): GRSSSNSGST[Gly13Asp]FISFSGVESA